The following is an entry in ClinVar:

ClinVar aggregate classification (germline): Uncertain significance (1 of 4 stars; one submission).

Conditions:
Megaconial type congenital muscular dystrophy (MDCMC). Also called: CHKB-Related Muscular Dystrophy; CHKB-Related Muscle Diseases; MUSCULAR DYSTROPHY, CONGENITAL, WITH MITOCHONDRIAL STRUCTURAL ABNORMALITIES. Identifiers: Orphanet 280671, MedGen C1865233, MONDO:0011246, OMIM 602541.

Allele frequency attached by ClinVar (database versions not stated): gnomAD exomes below 0.00001.
gnomAD v4.1: 2 of 1,611,456 alleles (0.00012%); highest among the groups gnomAD compares: South Asian, 0.0022%; no homozygotes.

Submission:

Labcorp Genetics (formerly Invitae), Labcorp
Classification: Uncertain significance for Megaconial type congenital muscular dystrophy. Last evaluated: 2019-02-14. Review status: criteria provided, single submitter. Criteria: Invitae Variant Classification Sherloc (09022015). Collection method: clinical testing. Allele origin: germline.
Comment: In summary, the available evidence is currently insufficient to determine the role of this variant in disease. Therefore, it has been classified as a Variant of Uncertain Significance. Algorithms developed to predict the effect of missense changes on protein structure and function (SIFT, PolyPhen-2, Align-GVGD) all suggest that this variant is likely to be tolerated, but these predictions have not been confirmed by published functional studies and their clinical significance is uncertain. This sequence change replaces tryptophan with leucine at codon 52 of the CHKB protein (p.Trp52Leu). The tryptophan residue is weakly conserved and there is a small physicochemical difference between tryptophan and leucine. This variant is not present in population databases (ExAC no frequency). This variant has not been reported in the literature in individuals with CHKB-related conditions.

NM_005198.5(CHKB):c.155G>T (p.Trp52Leu)

Genes: CHKB-CPT1B (CHKB-CPT1B readthrough (NMD candidate); minus strand), CHKB (choline kinase beta; minus strand). Cytogenetic location: 22q13.33.
Variant type: single nucleotide variant.
Coding change: c.155G>T on transcript NM_005198.5 (MANE Select); coding-DNA position 155, G replaced by T.
Protein change: p.Trp52Leu; replaces tryptophan 52 with leucine.
Molecular consequence: missense variant. On other transcripts: non-coding transcript variant (1).
Genome position (GRCh38, 1-based): chr22:50,582,627, C>A on the plus strand (G>T on the coding strand, the complement: CHKB is on the minus strand). VCF-style: chr22-50582627-C-A. GRCh37 (hg19) VCF-style: chr22-51021056-C-A.
Other names: short protein forms W52L.
Identifiers: ClinVar variation 843680 (VCV000843680.8), dbSNP rs1207178552, ClinGen allele CA412203323.